The following is an entry in ClinVar:

NM_020745.4(AARS2):c.25G>T (p.Ala9Ser)

Gene: AARS2 (alanyl-tRNA synthetase 2, mitochondrial; minus strand). Cytogenetic location: 6p21.1.
Variant type: single nucleotide variant.
Coding change: c.25G>T on transcript NM_020745.4 (MANE Select); coding-DNA position 25, G replaced by T.
Protein change: p.Ala9Ser; replaces alanine 9 with serine.
Molecular consequence: missense variant.
Genome position (GRCh38, 1-based): chr6:44,313,299, C>A on the plus strand (G>T on the coding strand, the complement: AARS2 is on the minus strand). VCF-style: chr6-44313299-C-A. GRCh37 (hg19) VCF-style: chr6-44281036-C-A.
Other names: short protein forms A9S.
Identifiers: ClinVar variation 1314020 (VCV001314020.8), dbSNP rs537231845, ClinGen allele CA3834760.

ClinVar aggregate classification (germline): Uncertain significance. Review status: criteria provided, multiple submitters, no conflicts (2 of 4 stars). 3 submissions from 3 submitters: Uncertain significance (3). Last evaluated 2023-04-22.

Conditions:
Inborn genetic diseases. Identifiers: MedGen C0950123, MeSH D030342.

Allele frequency attached by ClinVar (database versions not stated): 1000 Genomes Project 30x 0.00016; 1000 Genomes Project 0.00020.

Submissions (3):

GeneDx
Classification: Uncertain significance. Last evaluated: 2023-04-22. Review status: criteria provided, single submitter. Criteria: GeneDx Variant Classification Process June 2021. Collection method: clinical testing. Allele origin: germline. Affected: yes.
Comment: Not observed at significant frequency in large population cohorts (gnomAD); In silico analysis supports that this missense variant does not alter protein structure/function; Has not been previously published as pathogenic or benign to our knowledge

Labcorp Genetics (formerly Invitae), Labcorp
Classification: Uncertain significance. Last evaluated: 2022-05-03. Review status: criteria provided, single submitter. Criteria: Invitae Variant Classification Sherloc (09022015). Collection method: clinical testing. Allele origin: germline.
Comment: This sequence change replaces alanine, which is neutral and non-polar, with serine, which is neutral and polar, at codon 9 of the AARS2 protein (p.Ala9Ser). This variant is present in population databases (rs537231845, gnomAD 0.003%). This variant has not been reported in the literature in individuals affected with AARS2-related conditions. ClinVar contains an entry for this variant (Variation ID: 1314020). Advanced modeling of protein sequence and biophysical properties (such as structural, functional, and spatial information, amino acid conservation, physicochemical variation, residue mobility, and thermodynamic stability) performed at Invitae indicates that this missense variant is not expected to disrupt AARS2 protein function. In summary, the available evidence is currently insufficient to determine the role of this variant in disease. Therefore, it has been classified as a Variant of Uncertain Significance.

Ambry Genetics
Classification: Uncertain significance for Inborn genetic diseases. Last evaluated: 2021-09-16. Review status: criteria provided, single submitter. Criteria: Ambry Variant Classification Scheme 2023. Collection method: clinical testing. Allele origin: germline.